The following is an entry in ClinVar:

NM_001844.5(COL2A1):c.1068_1068+2dup

Gene: COL2A1 (collagen type II alpha 1 chain; minus strand). Cytogenetic location: 12q13.11.
Variant type: Duplication.
Coding change: c.1068_1068+2dup on transcript NM_001844.5 (MANE Select); coding-DNA position 1068 through the canonical splice donor site of the intron after coding-DNA position 1068, 3 bases duplicated (GGT; older notation c.1068_1068+2dupGGT).
Molecular consequence: splice donor variant.
Genome position (GRCh38, 1-based): chr12:47,989,759-47,989,761, ACC duplicated on the plus strand (GGT on the coding strand, the reverse complement: COL2A1 is on the minus strand). VCF-style (leftmost placement, unchanged base first): chr12-47989758-T-TACC. GRCh37 (hg19) VCF-style: chr12-48383541-T-TACC.
Other names: c.861_861+2dup (NM_033150.3).
Identifiers: ClinVar variation 2847119 (VCV002847119.3), dbSNP rs2540158846, ClinGen allele CA2739271966.

ClinVar aggregate classification (germline): Uncertain significance (1 of 4 stars; one submission).

Submission:

Labcorp Genetics (formerly Invitae), Labcorp
Classification: Uncertain significance. Last evaluated: 2023-03-18. Review status: criteria provided, single submitter. Criteria: Invitae Variant Classification Sherloc (09022015). Collection method: clinical testing. Allele origin: germline.
Comment: This sequence change falls in intron 17 of the COL2A1 gene. It does not directly change the encoded amino acid sequence of the COL2A1 protein. It affects a nucleotide within the consensus splice site. This variant is not present in population databases (gnomAD no frequency). This variant has not been reported in the literature in individuals affected with COL2A1-related conditions. Experimental studies and prediction algorithms are not available or were not evaluated, and the functional significance of this variant is currently unknown. Variants that disrupt the consensus splice site are a relatively common cause of aberrant splicing (PMID: 17576681, 9536098). Algorithms developed to predict the effect of sequence changes on RNA splicing suggest that this variant may disrupt the consensus splice site. In summary, the available evidence is currently insufficient to determine the role of this variant in disease. Therefore, it has been classified as a Variant of Uncertain Significance.

Literature cited by the submitters: PubMed 17576681; PubMed 9536098.